The following is an entry in ClinVar:

NM_001013838.3(CARMIL2):c.3874C>A (p.Leu1292Met)

Gene: CARMIL2 (capping protein regulator and myosin 1 linker 2; plus strand). Cytogenetic location: 16q22.1.
Variant type: single nucleotide variant.
Coding change: c.3874C>A on transcript NM_001013838.3 (MANE Select); coding-DNA position 3874, C replaced by A.
Protein change: p.Leu1292Met; replaces leucine 1292 with methionine.
Molecular consequence: missense variant.
Genome position (GRCh38, 1-based): chr16:67,656,483, C>A. VCF-style: chr16-67656483-C-A. GRCh37 (hg19) VCF-style: chr16-67690386-C-A.
Other names: c.3766C>A, p.Leu1256Met (NM_001317026.3); short protein forms L1256M, L1292M.
Identifiers: ClinVar variation 2862341 (VCV002862341.3), dbSNP rs2543587741, ClinGen allele CA396348031.
Genomic context (GRCh38, chr16:67,656,483, plus strand): 5'-GACCCTTCCTGCAGACCTGGCCCAGGGAGCCAGGGGCCTGAGTCTGCCACCTGGAAGACA[C>A]TGGGGCAGCAGTTGAATGCGGAGCTCAGGAGCCGTGGTTGGGGCCAACAGGATGGTCCAG-3'
Protein context (NP_001013860.1, residues 1282-1302): QGPESATWKT[Leu1292Met]GQQLNAELRS

ClinVar aggregate classification (germline): Uncertain significance (1 of 4 stars; one submission).

gnomAD v4.1: 1 of 1,612,972 alleles (0.000062%); highest among the groups gnomAD compares: Middle Eastern, 0.017%; no homozygotes.

Submission:

Labcorp Genetics (formerly Invitae), Labcorp
Classification: Uncertain significance. Last evaluated: 2023-05-05. Review status: criteria provided, single submitter. Criteria: Invitae Variant Classification Sherloc (09022015). Collection method: clinical testing. Allele origin: germline.
Comment: This variant has not been reported in the literature in individuals affected with CARMIL2-related conditions. This variant is not present in population databases (gnomAD no frequency). This sequence change replaces leucine, which is neutral and non-polar, with methionine, which is neutral and non-polar, at codon 1292 of the CARMIL2 protein (p.Leu1292Met). In summary, the available evidence is currently insufficient to determine the role of this variant in disease. Therefore, it has been classified as a Variant of Uncertain Significance. Advanced modeling of protein sequence and biophysical properties (such as structural, functional, and spatial information, amino acid conservation, physicochemical variation, residue mobility, and thermodynamic stability) performed at Invitae indicates that this missense variant is not expected to disrupt CARMIL2 protein function.